The following is an entry in ClinVar:

ClinVar aggregate classification (germline): Likely benign. Review status: criteria provided, multiple submitters, no conflicts (2 of 4 stars). 3 submissions from 3 submitters: Likely benign (2). 1 of the submissions does not count toward it. Last evaluated 2024-10-24.

Conditions:
NTRK2-related disorder. Also called: NTRK2-related condition.

Allele frequency attached by ClinVar (database versions not stated): gnomAD 0.00001; TOPMed 0.00005.
gnomAD v4.1: 20 of 1,608,058 alleles (0.0012%); highest among the groups gnomAD compares: East Asian, 0.016%; no homozygotes.

Submissions (3):

Labcorp Genetics (formerly Invitae), Labcorp
Classification: Likely benign. Last evaluated: 2024-10-24. Review status: criteria provided, single submitter. Criteria: Invitae Variant Classification Sherloc (09022015). Collection method: clinical testing. Allele origin: germline.

CeGaT Center for Human Genetics Tuebingen
Classification: Likely benign. Last evaluated: 2022-07-01. Review status: criteria provided, single submitter. Criteria: CeGaT Center For Human Genetics Tuebingen Variant Classification Criteria Version 2. Collection method: clinical testing. Allele origin: germline. Affected: yes. Observed: 1 variant allele.
Comment: NTRK2: BP4

PreventionGenetics, part of Exact Sciences
Classification: Likely benign for NTRK2-related condition. Last evaluated: 2022-06-13. Review status: no assertion criteria provided. Collection method: clinical testing. Allele origin: germline. Not counted in ClinVar's aggregate classification.
Comment: This variant is classified as likely benign based on ACMG/AMP sequence variant interpretation guidelines (Richards et al. 2015 PMID: 25741868, with internal and published modifications).

NM_006180.6(NTRK2):c.1195+10G>A

Gene: NTRK2 (neurotrophic receptor tyrosine kinase 2; plus strand). Cytogenetic location: 9q21.33.
Variant type: single nucleotide variant.
Coding change: c.1195+10G>A on transcript NM_006180.6 (MANE Select); 10 bases into the intron after coding-DNA position 1195, G replaced by A.
Molecular consequence: intron variant.
Genome position (GRCh38, 1-based): chr9:84,741,937, G>A. VCF-style: chr9-84741937-G-A. GRCh37 (hg19) VCF-style: chr9-87356852-G-A.
Other names: c.1195+10G>A (NM_001369532.1, NM_001369533.1, NM_001018066.3 and 16 more transcripts); c.1156+10G>A (NM_001291937.2, NM_001369546.1); c.1160-3036G>A (NM_001369534.1); c.727+10G>A (NM_001369536.1, NM_001369535.1, NM_001369550.1 and 2 more transcripts).
Identifiers: ClinVar variation 1628025 (VCV001628025.33), dbSNP rs769400820, ClinGen allele CA5105656.